The following is an entry in ClinVar:

ClinVar aggregate classification (germline): Likely benign. Review status: criteria provided, multiple submitters, no conflicts (2 of 4 stars). 3 submissions from 3 submitters: Likely benign (2). 1 of the submissions does not count toward it. Last evaluated 2026-06-08.

Conditions:
NTRK2-related disorder. Also called: NTRK2-related condition.

Allele frequency attached by ClinVar (database versions not stated): ExAC 0.00001; TOPMed 0.00002; 1000 Genomes Project 30x 0.00016; gnomAD 0.00002.
gnomAD v4.1: 68 of 1,613,912 alleles (0.0042%); highest among the groups gnomAD compares: Non-Finnish European, 0.0049%; no homozygotes.

Submissions (3):

Women's Health and Genetics/Laboratory Corporation of America, LabCorp
Classification: Likely benign. Last evaluated: 2026-06-08. Review status: criteria provided, single submitter. Criteria: LabCorp Variant Classification Summary - May 2015. Collection method: clinical testing. Allele origin: germline.

Labcorp Genetics (formerly Invitae), Labcorp
Classification: Likely benign. Last evaluated: 2025-10-13. Review status: criteria provided, single submitter. Criteria: Invitae Variant Classification Sherloc (09022015). Collection method: clinical testing. Allele origin: germline.

PreventionGenetics, part of Exact Sciences
Classification: Likely benign for NTRK2-related condition. Last evaluated: 2022-06-08. Review status: no assertion criteria provided. Collection method: clinical testing. Allele origin: germline. Not counted in ClinVar's aggregate classification.
Comment: This variant is classified as likely benign based on ACMG/AMP sequence variant interpretation guidelines (Richards et al. 2015 PMID: 25741868, with internal and published modifications).

NM_006180.6(NTRK2):c.1683C>T (p.Gly561=)

Gene: NTRK2 (neurotrophic receptor tyrosine kinase 2; plus strand). Cytogenetic location: 9q21.33.
Variant type: single nucleotide variant.
Coding change: c.1683C>T on transcript NM_006180.6 (MANE Select); coding-DNA position 1683, C replaced by T.
Protein change: p.Gly561=; no amino-acid change (glycine 561 retained).
Molecular consequence: synonymous variant.
Genome position (GRCh38, 1-based): chr9:84,934,211, C>T. VCF-style: chr9-84934211-C-T. GRCh37 (hg19) VCF-style: chr9-87549126-C-T.
Other names: c.1683C>T (NM_006180.4); c.1635C>T, p.Gly545= (NM_001018064.3, NM_001369532.1, NM_001369533.1); c.1599C>T, p.Gly533= (NM_001369534.1); c.1167C>T, p.Gly389= (NM_001369535.1); c.1215C>T, p.Gly405= (NM_001369536.1).
Identifiers: ClinVar variation 1400064 (VCV001400064.9), dbSNP rs78346623, ClinGen allele CA5105822.
Genomic context (GRCh38, chr9:84,934,211, plus strand): 5'-TTGTTTTGCAGTTGTTCAGCACATCAAGCGACATAACATTGTTCTGAAAAGGGAGCTAGG[C>T]GAAGGAGCCTTTGGAAAAGTGTTCCTAGCTGAATGCTATAACCTCTGTCCTGAGCAGGAC-3'
Protein context (NP_006171.2, residues 551-571): RHNIVLKREL[Gly561=]EGAFGKVFLA